The following is an entry in ClinVar:

NM_000642.3(AGL):c.3476A>G (p.Gln1159Arg)

Gene: AGL (amylo-alpha-1,6-glucosidase and 4-alpha-glucanotransferase; plus strand). Cytogenetic location: 1p21.2.
Variant type: single nucleotide variant.
Coding change: c.3476A>G on transcript NM_000642.3 (MANE Select); coding-DNA position 3476, A replaced by G.
Protein change: p.Gln1159Arg; replaces glutamine 1159 with arginine.
Molecular consequence: missense variant.
Genome position (GRCh38, 1-based): chr1:99,900,749, A>G. VCF-style: chr1-99900749-A-G. GRCh37 (hg19) VCF-style: chr1-100366305-A-G.
Other names: p.Gln1159Arg; c.3476A>G, p.Gln1159Arg (NM_000028.3, NM_000643.3, NM_000644.3 and 1 more transcripts); c.3428A>G, p.Gln1143Arg (NM_000646.3); c.3455A>G, p.Gln1152Arg (NM_001425326.1); c.3275A>G, p.Gln1092Arg (NM_001425327.1); c.3272A>G, p.Gln1091Arg (NM_001425328.1); c.3137A>G, p.Gln1046Arg (NM_001425329.1); c.3098A>G, p.Gln1033Arg (NM_001425332.1); short protein forms Q1033R, Q1046R, Q1091R, Q1092R, Q1143R, Q1152R, Q1159R.
Identifiers: ClinVar variation 3379797 (VCV003379797.1).

ClinVar aggregate classification (germline): Uncertain significance (1 of 4 stars; one submission).

Submission:

Mayo Clinic Laboratories, Mayo Clinic
Classification: Uncertain significance. Last evaluated: 2024-04-02. Review status: criteria provided, single submitter. Criteria: ACMG Guidelines, 2015. Collection method: clinical testing. Allele origin: germline. Observed: 1 variant allele.
Comment: PM2